The following is an entry in ClinVar:

NM_138420.4(AHNAK2):c.921G>A (p.Glu307=)

Gene: AHNAK2 (AHNAK nucleoprotein 2; minus strand). Cytogenetic location: 14q32.33.
Variant type: single nucleotide variant.
Coding change: c.921G>A on transcript NM_138420.4 (MANE Select); coding-DNA position 921, G replaced by A.
Protein change: p.Glu307=; no amino-acid change (glutamic acid 307 retained).
Molecular consequence: synonymous variant.
Genome position (GRCh38, 1-based): chr14:104,954,530, C>T on the plus strand (G>A on the coding strand, the complement: AHNAK2 is on the minus strand). VCF-style: chr14-104954530-C-T. GRCh37 (hg19) VCF-style: chr14-105420867-C-T.
Other names: c.621G>A, p.Glu207= (NM_001350929.2).
Identifiers: ClinVar variation 4534745 (VCV004534745.6).
Genomic context (GRCh38, chr14:104,954,530, plus strand): 5'-TCTGAGGTTGAGGAACTTCCGCCTCCTCTGGCTGCCCGGCCCTGCCTTCTGCTCTTGGCG[C>T]TCCACCGTGAGCTGGGCCTCTGTGTCTGTGCTTGTAGGGGACACGTCATGTGCGTCCCTA-3'
Protein context (NP_612429.2, residues 297-317): STDTEAQLTV[Glu307=]RQEQKAGPGS

ClinVar aggregate classification (germline): Likely benign (1 of 4 stars; one submission).

gnomAD v4.1: 1 of 1,611,048 alleles (0.000062%); highest among the groups gnomAD compares: Non-Finnish European, 0.000085%; no homozygotes.

Submission:

CeGaT Center for Human Genetics Tuebingen
Classification: Likely benign. Last evaluated: 2025-11-01. Review status: criteria provided, single submitter. Criteria: CeGaT Center For Human Genetics Tuebingen Variant Classification Criteria Version 2. Collection method: clinical testing. Allele origin: germline. Affected: yes. Observed: 1 variant allele.
Comment: AHNAK2: BP4, BP7